The following is an entry in ClinVar:

ClinVar aggregate classification (germline): Benign/Likely benign. Review status: criteria provided, multiple submitters, no conflicts (2 of 4 stars). 2 submissions from 2 submitters: Benign (1); Likely benign (1). Last evaluated 2026-07-14.

Conditions:
LRP2-related disorder. Also called: LRP2-related condition.

Submissions (2):

PreventionGenetics, part of Exact Sciences
Classification: Likely benign for LRP2-related condition. Last evaluated: 2026-07-14. Review status: criteria provided, single submitter. Criteria: ACMG Guidelines, 2015. Collection method: clinical testing. Allele origin: germline.
Comment: This variant is classified as likely benign based on ACMG/AMP sequence variant interpretation guidelines (Richards et al. 2015 PMID: 25741868, with internal and published modifications).

Labcorp Genetics (formerly Invitae), Labcorp
Classification: Benign. Last evaluated: 2025-10-27. Review status: criteria provided, single submitter. Criteria: Invitae Variant Classification Sherloc (09022015). Collection method: clinical testing. Allele origin: germline.

NM_004525.3(LRP2):c.4046-5dup

Gene: LRP2 (LDL receptor related protein 2; minus strand). Cytogenetic location: 2q31.1.
Variant type: Duplication.
Coding change: c.4046-5dup on transcript NM_004525.3 (MANE Select); 5 bases into the intron before coding-DNA position 4046, one base duplicated (T; older notation c.4046-5dupT).
Molecular consequence: intron variant.
Genome position (GRCh38, 1-based): chr2:169,239,780, A duplicated on the plus strand (T on the coding strand, the reverse complement: LRP2 is on the minus strand); the first of 6 consecutive A bases (chr2:169,239,780-169,239,785); duplicating any one gives the same sequence. VCF-style (leftmost placement, unchanged base first): chr2-169239779-G-GA. GRCh37 (hg19) VCF-style: chr2-170096289-G-GA.
Other names: c.4046-5dupT (NM_004525.2).
Identifiers: ClinVar variation 1601189 (VCV001601189.9), dbSNP rs373212736, ClinGen allele CA59913157.